The following is an entry in ClinVar:

NM_002516.4(NOVA2):c.720_721insCCGCGGATGTGCTTCCAGCC (p.Ala241fs)

Gene: NOVA2 (NOVA alternative splicing regulator 2; minus strand). Cytogenetic location: 19q13.32.
Variant type: Insertion.
Coding change: c.720_721insCCGCGGATGTGCTTCCAGCC on transcript NM_002516.4 (MANE Select); coding-DNA positions 720 to 721, CCGCGGATGTGCTTCCAGCC inserted.
Protein change: p.Ala241fs; shifts the reading frame from alanine 241.
Molecular consequence: frameshift variant.
Genome position: GRCh38 VCF-style: chr19-45940621-C-CGGCTGGAAGCACATCCGCGG. GRCh37 (hg19) VCF-style: chr19-46443879-C-CGGCTGGAAGCACATCCGCGG.
Other names: short protein forms A241fs.
Identifiers: ClinVar variation 870459 (VCV000870459.29), dbSNP rs1967741386, ClinGen allele CA916083696.
Genomic context (GRCh38, chr19:45,940,621, plus strand): 5'-CGCCAGCCAGCCCGGCGGGGCCCAGCAGGCCGGAGGCGGCGGCGGCCGACGCTGCGGCCG[C>CGGCTGGAAGCACATCCGCGG]GGCTGGCAGCACATCCGCGGGGCTGGCGTACGGAGAGCCGGTGGGGTTGGAGTTGGCCAC-3'

ClinVar aggregate classification (germline): Pathogenic. Review status: criteria provided, single submitter (1 of 4 stars). 2 submissions from 2 submitters: Pathogenic (1). 1 of the submissions does not count toward it. Last evaluated 2023-02-01.

Conditions:
Neurodevelopmental disorder with or without autistic features and/or structural brain abnormalities. Identifiers: MedGen C5394311, MONDO:0030024, OMIM 618859.

Submissions (2):

CeGaT Center for Human Genetics Tuebingen
Classification: Pathogenic. Last evaluated: 2023-02-01. Review status: criteria provided, single submitter. Criteria: CeGaT Center For Human Genetics Tuebingen Variant Classification Criteria Version 2. Collection method: clinical testing. Allele origin: germline. Affected: yes. Observed: 1 variant allele.
Comment: NOVA2: PS2, PVS1:Strong, PM2

OMIM
Classification: Pathogenic for NEURODEVELOPMENTAL DISORDER WITH AUTISTIC FEATURES WITHOUT STRUCTURAL BRAIN ABNORMALITIES. Last evaluated: 2020-04-30. Review status: no assertion criteria provided. Collection method: literature only. Allele origin: germline. Not counted in ClinVar's aggregate classification.

Literature cited by the submitters: PubMed 32197073 (cited by OMIM).